The following is an entry in ClinVar:

NM_000199.5(SGSH):c.790_794delinsGCCAGAAGCGGGGGGAGGGGGGGGGTTTGGTGGAAATTTTTTGTTATGATGTCTGTGTGGAAAGCGGCTGTGCAGACATTCAATTGTTATTATTATGTCCTACAAGCATTAATTAATTAACACACTTTAGTAGGTATGTTCGCCTGTAATATTGAACGTAGGTGCGATAAATAATAGGATGAGGCAGGAATCAAAGACAGATACTGCGACATAGGGTGCTCCGG (p.Asn264_Asp265delinsAlaArgSerGlyGlyArgGlyGlyValTrpTrpLysPhePheValMetMetSerValTrpLysAlaAlaValGlnThrPheAsnCysTyrTyrTyrValLeuGlnAlaLeuIleAsnTer)

Gene: SGSH (N-sulfoglucosamine sulfohydrolase; minus strand). Cytogenetic location: 17q25.3.
Variant type: Indel.
Coding change: c.790_794delinsGCCAGAAGCGGGGGGAGGGGGGGGGTTTGGTGGAAATTTTTTGTTATGATGTCTGTGTGGAAAGCGGCTGTGCAGACATTCAATTGTTATTATTATGTCCTACAAGCATTAATTAATTAACACACTTTAGTAGGTATGTTCGCCTGTAATATTGAACGTAGGTGCGATAAATAATAGGATGAGGCAGGAATCAAAGACAGATACTGCGACATAGGGTGCTCCGG on transcript NM_000199.5 (MANE Select); coding-DNA positions 790 to 794, the reference bases replaced by an inserted sequence.
Protein change: p.Asn264_Asp265delinsAlaArgSerGlyGlyArgGlyGlyValTrpTrpLysPhePheValMetMetSerValTrpLysAlaAlaValGlnThrPheAsnCysTyrTyrTyrValLeuGlnAlaLeuIleAsnTer.
Molecular consequence: nonsense. On other transcripts: non-coding transcript variant (1).
Genome position (GRCh38, 1-based): chr17:80,212,226-80,212,230, 5 bases replaced. GRCh37 (hg19): chr17:78,186,025-78,186,029.
Other names: c.790_794delinsGCCAGAAGCGGGGGGAGGGGGGGGGTTTGGTGGAAATTTTTTGTTATGATGTCTGTGTGGAAAGCGGCTGTGCAGACATTCAATTGTTATTATTATGTCCTACAAGCATTAATTAATTAACACACTTTAGTAGGTATGTTCGCCTGTAATATTGAACGTAGGTGCGATAAATAATAGGATGAGGCAGGAATCAAAGACAGATACTGCGACATAGGGTGCTCCGG, p.Asn264_Asp265delinsAlaArgSerGlyGlyArgGlyGlyValTrpTrpLysPhePheValMetMetSerValTrpLysAlaAlaValGlnThrPheAsnCysTyrTyrTyrValLeuGlnAlaLeuIleAsnTer (NM_001352921.3, NM_001352922.2).
Identifiers: ClinVar variation 2109750 (VCV002109750.4), dbSNP rs2510874136, ClinGen allele CA2580095312.

ClinVar aggregate classification (germline): Pathogenic (1 of 4 stars; one submission).

Conditions:
Mucopolysaccharidosis, MPS-III-A (MPS3A). Also called: HEPARAN SULFATE SULFATASE DEFICIENCY; SANFILIPPO SYNDROME A; SULFAMIDASE DEFICIENCY; MPS III A; Mucopolysaccharidosis, type IIIA; MUCOPOLYSACCHARIDOSIS, TYPE IIIA, ATTENUATED. Identifiers: Orphanet 581, Orphanet 79269, MedGen C0086647, MONDO:0009655, OMIM 252900.

Submission:

Labcorp Genetics (formerly Invitae), Labcorp
Classification: Pathogenic for Mucopolysaccharidosis, MPS-III-A. Last evaluated: 2022-03-11. Review status: criteria provided, single submitter. Criteria: Invitae Variant Classification Sherloc (09022015). Collection method: clinical testing. Allele origin: germline.
Comment: For these reasons, this variant has been classified as Pathogenic. This variant disrupts a region of the SGSH protein in which other variant(s) (p.Thr271Met) have been determined to be pathogenic (PMID: 21204211, 28844463). This suggests that this is a clinically significant region of the protein, and that variants that disrupt it are likely to be disease-causing. This variant has not been reported in the literature in individuals affected with SGSH-related conditions. This variant is not present in population databases (gnomAD no frequency). This sequence change creates a premature translational stop signal (p.Asn264_Pro302delins39*) in the SGSH gene. While this is not anticipated to result in nonsense mediated decay, it is expected to disrupt the last 239 amino acid(s) of the SGSH protein.

Literature cited by the submitters: PubMed 21204211; PubMed 28844463.